The following is an entry in ClinVar:

ClinVar aggregate classification (germline): Uncertain significance (1 of 4 stars; one submission).

Submission:

GeneDx
Classification: Uncertain significance. Last evaluated: 2025-07-13. Review status: criteria provided, single submitter. Criteria: GeneDx Variant Classification Process June 2021. Collection method: clinical testing. Allele origin: germline. Affected: yes.
Comment: Reported in the published literature in a patient with language delay, micrognathia, cleft palate, and tongue-lip adhesion, and inherited from a mother with micrognathia (PMID: 37125634); Not observed at significant frequency in large population cohorts (gnomAD); In silico analysis supports that this missense variant has a deleterious effect on protein structure/function; This variant is associated with the following publications: (PMID: 37125634)

NM_001200.4(BMP2):c.329G>C (p.Arg110Pro)

Gene: BMP2 (bone morphogenetic protein 2; plus strand). Cytogenetic location: 20p12.3.
Variant type: single nucleotide variant.
Coding change: c.329G>C on transcript NM_001200.4 (MANE Select); coding-DNA position 329, G replaced by C.
Protein change: p.Arg110Pro; replaces arginine 110 with proline.
Molecular consequence: missense variant.
Genome position (GRCh38, 1-based): chr20:6,770,455, G>C. VCF-style: chr20-6770455-G-C. GRCh37 (hg19) VCF-style: chr20-6751102-G-C.
Other names: short protein forms R110P.
Identifiers: ClinVar variation 4686167 (VCV004686167.1).